The following is an entry in ClinVar:

NM_002905.5(RDH5):c.718dup (p.Ala240fs)

Genes: BLOC1S1-RDH5 (BLOC1S1-RDH5 readthrough; plus strand), CD63 (CD63 molecule; minus strand), RDH5 (retinol dehydrogenase 5; plus strand). Cytogenetic location: 12q13.2.
Variant type: Duplication.
Coding change: c.718dup on transcript NM_002905.5 (MANE Select); coding-DNA position 718, one base duplicated (G; older notation c.718dupG).
Protein change: p.Ala240fs; shifts the reading frame from alanine 240.
Molecular consequence: frameshift variant. On other transcripts: non-coding transcript variant (1).
Genome position (GRCh38, 1-based): chr12:55,724,034, G duplicated; the last of 7 consecutive G bases (chr12:55,724,028-55,724,034); duplicating any one gives the same sequence. VCF-style (leftmost placement, unchanged base first): chr12-55724027-T-TG. GRCh37 (hg19) VCF-style: chr12-56117811-T-TG.
Other names: c.718dup, p.Ala240fs (NM_001199771.3); short protein forms A240fs.
Identifiers: ClinVar variation 812394 (VCV000812394.10), dbSNP rs753378940, ClinGen allele CA6616918.

ClinVar aggregate classification (germline): Pathogenic/Likely pathogenic. Review status: criteria provided, multiple submitters, no conflicts (2 of 4 stars). 4 submissions from 4 submitters: Pathogenic (2); Likely pathogenic (1). 1 of the submissions does not count toward it. Last evaluated 2024-08-20.

Conditions:
RDH5-related disorder. Also called: RDH5-related condition.
Pigmentary retinal dystrophy. Also called: Fundus albipunctatus. Identifiers: Orphanet 227796, Orphanet 52427, MedGen C0311338, MONDO:0007639, OMIM 136880, HP:0030642.
Retinitis punctata albescens. Identifiers: Orphanet 52427, MedGen C1405854, MONDO:0018877.

Submissions (4):

Labcorp Genetics (formerly Invitae), Labcorp
Classification: Pathogenic. Last evaluated: 2024-08-20. Review status: criteria provided, single submitter. Criteria: Invitae Variant Classification Sherloc (09022015). Collection method: clinical testing. Allele origin: germline.
Comment: This sequence change creates a premature translational stop signal (p.Ala240Glyfs*19) in the RDH5 gene. While this is not anticipated to result in nonsense mediated decay, it is expected to disrupt the last 79 amino acid(s) of the RDH5 protein. The frequency data for this variant in the population databases is considered unreliable, as metrics indicate poor data quality at this position in the gnomAD database. This premature translational stop signal has been observed in individual(s) with clinical features of fundus albipunctatus (PMID: 11053295, 28393863, 32232344). In at least one individual the data is consistent with being in trans (on the opposite chromosome) from a pathogenic variant. This variant is also known as 719insG. ClinVar contains an entry for this variant (Variation ID: 812394). For these reasons, this variant has been classified as Pathogenic.

Blueprint Genetics
Classification: Pathogenic for RDH5-related disorders. Last evaluated: 2023-06-09. Review status: criteria provided, single submitter. Criteria: ACMG Guidelines, 2015. Collection method: clinical testing. Allele origin: germline. Affected: yes. Observed: 3 variant alleles.

Juno Genomics, Hangzhou Juno Genomics, Inc
Classification: Likely pathogenic for Pigmentary retinal dystrophy. Review status: criteria provided, single submitter. Criteria: ACMG Guidelines, 2015. Collection method: clinical testing. Allele origin: germline.
Comment: Absent from controls (or at extremely low frequency if recessive) in Genome Aggregation Database.;Null variant in a gene where loss of function (LOF) is a known mechanism of disease.;For recessive disorders, detected in trans with a pathogenic variant.

Sharon lab, Hadassah-Hebrew University Medical Center
Classification: Pathogenic for Retinitis punctata albescens. Last evaluated: 2019-06-23. Review status: no assertion criteria provided. Collection method: research. Allele origin: inherited. Affected: yes. Not counted in ClinVar's aggregate classification.

Literature cited by the submitters: PubMed 11053295 (cited by Labcorp Genetics (formerly Invitae), Labcorp); PubMed 28393863 (cited by Labcorp Genetics (formerly Invitae), Labcorp); PubMed 32232344 (cited by Labcorp Genetics (formerly Invitae), Labcorp).